The following is an entry in ClinVar:

NM_001042492.3(NF1):c.5662A>T (p.Ile1888Phe)

Gene: NF1 (neurofibromin 1; plus strand). Cytogenetic location: 17q11.2.
Variant type: single nucleotide variant.
Coding change: c.5662A>T on transcript NM_001042492.3 (MANE Select); coding-DNA position 5662, A replaced by T.
Protein change: p.Ile1888Phe; replaces isoleucine 1888 with phenylalanine.
Molecular consequence: missense variant.
Genome position (GRCh38, 1-based): chr17:31,330,348, A>T. VCF-style: chr17-31330348-A-T. GRCh37 (hg19) VCF-style: chr17-29657366-A-T.
Other names: c.5599A>T, p.Ile1867Phe (NM_000267.4); short protein forms I1867F, I1888F.
Identifiers: ClinVar variation 216407 (VCV000216407.7), dbSNP rs863224662, ClinGen allele CA336256.

ClinVar aggregate classification (germline): Uncertain significance (1 of 4 stars; one submission).

Conditions:
Neurofibromatosis, type 1 (NF1). Also called: VON RECKLINGHAUSEN DISEASE; Peripheral type neurofibromatosis; Neurofibromatosis, type I; NEUROFIBROMATOSIS, TYPE I, SOMATIC. Identifiers: Orphanet 636, MedGen C0027831, MONDO:0018975, OMIM 162200. Disease mechanism: loss of function.

Submission:

Labcorp Genetics (formerly Invitae), Labcorp
Classification: Uncertain significance for Neurofibromatosis, type 1. Last evaluated: 2019-01-10. Review status: criteria provided, single submitter. Criteria: Invitae Variant Classification Sherloc (09022015). Collection method: clinical testing. Allele origin: germline.
Comment: In summary, this variant is a novel missense change with uncertain impact on protein function. It has been classified as a Variant of Uncertain Significance. Algorithms developed to predict the effect of missense changes on protein structure and function do not agree on the potential impact of this missense change (SIFT: "Tolerated"; PolyPhen-2: "Probably Damaging"; Align-GVGD: "Class C0"). This variant is not present in population databases (ExAC no frequency) and has not been reported in the literature in individuals with an NF1-related disease. This sequence change replaces isoleucine with phenylalanine at codon 1867 of the NF1 protein (p.Ile1867Phe). The isoleucine residue is moderately conserved and there is a small physicochemical difference between isoleucine and phenylalanine.